The following is an entry in ClinVar:

NM_001042724.2(NECTIN2):c.479-16CTC[2]

Gene: NECTIN2 (nectin cell adhesion molecule 2; plus strand). Cytogenetic location: 19q13.32.
Variant type: Microsatellite.
Coding change: c.479-16CTC[2] on transcript NM_001042724.2 (MANE Select); two copies in a row of the 3-base unit CTC starting at c.479-16; the reference has three copies in a row; one copy, 3 bases deleted.
Molecular consequence: intron variant.
Genome position (GRCh38, 1-based): chr19:44,871,843-44,871,845, CTC deleted; deleting any 3 consecutive bases within chr19:44,871,837-44,871,845 gives the same sequence; the position shown is the placement nearest the transcript's 3' end. VCF-style (leftmost placement, unchanged base first): chr19-44871836-TCTC-T. GRCh37 (hg19) VCF-style: chr19-45375093-TCTC-T.
Other names: NC_000019.9:g.45375100_45375102del; c.479-16CTC[2] (NM_002856.3); c.479-10_479-8del (NM_001042724.2).
Identifiers: ClinVar variation 3041222 (VCV003041222.3), dbSNP rs745722598, ClinGen allele CA9505126.

ClinVar aggregate classification (germline): Likely benign (0 of 4 stars; one submission).

Conditions:
NECTIN2-related disorder. Also called: NECTIN2-related condition.

Submissions (2):

PreventionGenetics, part of Exact Sciences
Classification: Likely benign for NECTIN2-related condition. Last evaluated: 2024-04-29. Review status: no assertion criteria provided. Collection method: clinical testing. Allele origin: germline.
Comment: This variant is classified as likely benign based on ACMG/AMP sequence variant interpretation guidelines (Richards et al. 2015 PMID: 25741868, with internal and published modifications).

Dr. Peter K. Rogan Lab, Western University
No classification provided (evidence only). Condition: Nonpapillary renal cell carcinoma. Review status: no classification provided. Collection method: in vitro. Allele origin: not applicable. Functional consequence: skipped exon. Not counted in ClinVar's aggregate classification.